The following is an entry in ClinVar:

ClinVar aggregate classification (germline): Pathogenic (1 of 4 stars; one submission).

Submission:

Labcorp Genetics (formerly Invitae), Labcorp
Classification: Pathogenic. Last evaluated: 2022-03-14. Review status: criteria provided, single submitter. Criteria: Invitae Variant Classification Sherloc (09022015). Collection method: clinical testing. Allele origin: germline.
Comment: This variant is not present in population databases (gnomAD no frequency). For these reasons, this variant has been classified as Pathogenic. This variant has not been reported in the literature in individuals affected with SLC9A3-related conditions. This sequence change creates a premature translational stop signal (p.Thr338Alafs*4) in the SLC9A3 gene. It is expected to result in an absent or disrupted protein product. Loss-of-function variants in SLC9A3 are known to be pathogenic (PMID: 26358773).

Literature cited by the submitters: PubMed 26358773.

NM_004174.4(SLC9A3):c.1007_1011dup (p.Thr338fs)

Gene: SLC9A3 (solute carrier family 9 member A3). Cytogenetic location: 5p15.33.
Variant type: Duplication.
Coding change: c.1007_1011dup on transcript NM_004174.4 (MANE Select); coding-DNA positions 1007 to 1011, 5 bases duplicated.
Protein change: p.Thr338fs; shifts the reading frame from threonine 338.
Molecular consequence: frameshift variant.
Genome position: GRCh38 VCF-style: chr5-483403-T-TGTAGC. GRCh37 (hg19) VCF-style: chr5-483518-T-TGTAGC.
Other names: c.1007_1011dup, p.Thr338fs (NM_001284351.3); short protein forms T338fs.
Identifiers: ClinVar variation 2111813 (VCV002111813.4), dbSNP rs2477588348, ClinGen allele CA2580073114.